The following is an entry in ClinVar:

NM_000292.3(PHKA2):c.420C>G (p.Leu140=)

Gene: PHKA2 (phosphorylase kinase regulatory subunit alpha 2; minus strand). Cytogenetic location: Xp22.13.
Variant type: single nucleotide variant.
Coding change: c.420C>G on transcript NM_000292.3 (MANE Select); coding-DNA position 420, C replaced by G.
Protein change: p.Leu140=; no amino-acid change (leucine 140 retained).
Molecular consequence: synonymous variant.
Genome position (GRCh38, 1-based): chrX:18,951,138, G>C on the plus strand (C>G on the coding strand, the complement: PHKA2 is on the minus strand). VCF-style: chrX-18951138-G-C. GRCh37 (hg19) VCF-style: chrX-18969256-G-C.
Identifiers: ClinVar variation 3036515 (VCV003036515.2), dbSNP rs747421945, ClinGen allele CA10362118.

ClinVar aggregate classification (germline): Likely benign (0 of 4 stars; one submission).

Conditions:
PHKA2-related disorder. Also called: PHKA2-related condition.

Allele frequency attached by ClinVar (database versions not stated): TOPMed below 0.00001; ExAC 0.00003; gnomAD exomes 0.00004.
gnomAD v4.1: 39 of 1,211,951 alleles (0.0032%); highest among the groups gnomAD compares: Non-Finnish European, 0.0042%; no homozygotes.

Submission:

PreventionGenetics, part of Exact Sciences
Classification: Likely benign for PHKA2-related condition. Last evaluated: 2022-11-21. Review status: no assertion criteria provided. Collection method: clinical testing. Allele origin: germline.
Comment: This variant is classified as likely benign based on ACMG/AMP sequence variant interpretation guidelines (Richards et al. 2015 PMID: 25741868, with internal and published modifications).